The following is an entry in ClinVar:

ClinVar aggregate classification (germline): Likely pathogenic (1 of 4 stars; one submission).

Submission:

Labcorp Genetics (formerly Invitae), Labcorp
Classification: Likely pathogenic. Last evaluated: 2025-08-07. Review status: criteria provided, single submitter. Criteria: Invitae Variant Classification Sherloc (09022015). Collection method: clinical testing. Allele origin: germline.
Comment: This sequence change replaces methionine, which is neutral and non-polar, with isoleucine, which is neutral and non-polar, at codon 382 of the FH protein (p.Met382Ile). This variant is not present in population databases (gnomAD no frequency). This variant has not been reported in the literature in individuals affected with FH-related conditions. Invitae Evidence Modeling of protein sequence and biophysical properties (such as structural, functional, and spatial information, amino acid conservation, physicochemical variation, residue mobility, and thermodynamic stability) indicates that this missense variant is expected to disrupt FH protein function with a positive predictive value of 95%. This variant disrupts the p.Met382 amino acid residue in FH. Other variant(s) that disrupt this residue have been determined to be pathogenic (PMID: 20618355, 26113603; internal data). This suggests that this residue is clinically significant, and that variants that disrupt this residue are likely to be disease-causing. In summary, the currently available evidence indicates that the variant is pathogenic, but additional data are needed to prove that conclusively. Therefore, this variant has been classified as Likely Pathogenic.

Literature cited by the submitters: PubMed 20618355; PubMed 26113603.

NM_000143.4(FH):c.1146G>T (p.Met382Ile)

Gene: FH (fumarate hydratase; minus strand). Cytogenetic location: 1q43.
Variant type: single nucleotide variant.
Coding change: c.1146G>T on transcript NM_000143.4 (MANE Select); coding-DNA position 1146, G replaced by T.
Protein change: p.Met382Ile; replaces methionine 382 with isoleucine.
Molecular consequence: missense variant.
Genome position (GRCh38, 1-based): chr1:241,502,533, C>A on the plus strand (G>T on the coding strand, the complement: FH is on the minus strand). VCF-style: chr1-241502533-C-A. GRCh37 (hg19) VCF-style: chr1-241665833-C-A.
Other names: short protein forms M382I.
Identifiers: ClinVar variation 4745919 (VCV004745919.1).
Genomic context (GRCh38, chr1:241,502,533, plus strand): 5'-ATGTCCATTGCTGCCTCCGACAGTGACAGCAACATGGTTCCCCATGACTTGGGCTGCAAC[C>A]ATGGTCATTGCTTCACACTGAGTAGGGTTCACCTTGCCTTCAAGAAAACCACCAATGACA-3'
Protein context (NP_000134.2, residues 372-392): VNPTQCEAMT[Met382Ile]VAAQVMGNHV